The following is an entry in ClinVar:

ClinVar aggregate classification (germline): Uncertain significance. Review status: criteria provided, multiple submitters, no conflicts (2 of 4 stars). 2 submissions from 2 submitters: Uncertain significance (2). Last evaluated 2024-09-20.

Conditions:
Cardiovascular phenotype. Identifiers: MedGen CN230736.
Arrhythmogenic right ventricular dysplasia 9 (ARVD9). Also called: Arrhythmogenic Right Ventricular Dysplasia/Cardiomyopathy 9; ARRHYTHMOGENIC RIGHT VENTRICULAR DYSPLASIA, FAMILIAL, 9. Identifiers: MedGen C1836906, MONDO:0012180, OMIM 609040.

Allele frequency attached by ClinVar (database versions not stated): gnomAD exomes below 0.00001; ExAC 0.00001; gnomAD 0.00001; TOPMed 0.00002.
gnomAD v4.1: 1 of 1,613,848 alleles (0.000062%); highest among the groups gnomAD compares: African/African-American, 0.0013%; no homozygotes.

Submissions (2):

Ambry Genetics
Classification: Uncertain significance for Cardiovascular phenotype. Last evaluated: 2024-09-20. Review status: criteria provided, single submitter. Criteria: Ambry Variant Classification Scheme 2023. Collection method: clinical testing. Allele origin: germline.
Comment: The p.L277P variant (also known as c.830T>C), located in coding exon 3 of the PKP2 gene, results from a T to C substitution at nucleotide position 830. The leucine at codon 277 is replaced by proline, an amino acid with similar properties. This amino acid position is conserved. In addition, this alteration is predicted to be tolerated by in silico analysis. Based on the available evidence, the clinical significance of this variant remains unclear.

Labcorp Genetics (formerly Invitae), Labcorp
Classification: Uncertain significance for Arrhythmogenic right ventricular dysplasia 9. Last evaluated: 2019-10-03. Review status: criteria provided, single submitter. Criteria: Invitae Variant Classification Sherloc (09022015). Collection method: clinical testing. Allele origin: germline.
Comment: In summary, the available evidence is currently insufficient to determine the role of this variant in disease. Therefore, it has been classified as a Variant of Uncertain Significance. Algorithms developed to predict the effect of missense changes on protein structure and function are either unavailable or do not agree on the potential impact of this missense change (SIFT: "Deleterious"; PolyPhen-2: "Benign"; Align-GVGD: "Class C0"). This variant has not been reported in the literature in individuals with PKP2-related conditions. This variant is present in population databases (rs772827289, ExAC 0.01%). This sequence change replaces leucine with proline at codon 277 of the PKP2 protein (p.Leu277Pro). The leucine residue is weakly conserved and there is a moderate physicochemical difference between leucine and proline.

NM_001005242.3(PKP2):c.830T>C (p.Leu277Pro)

Gene: PKP2 (plakophilin 2; minus strand). Cytogenetic location: 12p11.21.
Variant type: single nucleotide variant.
Coding change: c.830T>C on transcript NM_001005242.3 (MANE Select); coding-DNA position 830, T replaced by C.
Protein change: p.Leu277Pro; replaces leucine 277 with proline.
Molecular consequence: missense variant.
Genome position (GRCh38, 1-based): chr12:32,878,050, A>G on the plus strand (T>C on the coding strand, the complement: PKP2 is on the minus strand). VCF-style: chr12-32878050-A-G. GRCh37 (hg19) VCF-style: chr12-33030984-A-G.
Other names: c.830T>C, p.Leu277Pro (NM_004572.4); short protein forms L277P.
Identifiers: ClinVar variation 938620 (VCV000938620.10), dbSNP rs772827289, ClinGen allele CA039071.